The following is an entry in ClinVar:

ClinVar aggregate classification (germline): Pathogenic. Review status: criteria provided, multiple submitters, no conflicts (2 of 4 stars). 2 submissions from 2 submitters: Pathogenic (2). Last evaluated 2025-03-05.

Conditions:
Hereditary cancer-predisposing syndrome. Also called: Neoplastic Syndromes, Hereditary; Hereditary Cancer Syndrome; Tumor predisposition; Hereditary neoplastic syndrome. Identifiers: Orphanet 140162, MedGen C0027672, MeSH D009386, MONDO:0015356.
Peutz-Jeghers syndrome (PJS). Also called: POLYPOSIS, HAMARTOMATOUS INTESTINAL; POLYPS-AND-SPOTS SYNDROME; Peutz-Jeghers polyposis; Periorificial lentiginosis syndrome. Identifiers: Orphanet 2869, MedGen C0031269, MeSH D010580, MONDO:0008280, OMIM 175200.

Submissions (2):

Ambry Genetics
Classification: Pathogenic for Hereditary cancer-predisposing syndrome. Last evaluated: 2025-03-05. Review status: criteria provided, single submitter. Criteria: Ambry Variant Classification Scheme 2023. Collection method: clinical testing. Allele origin: germline.
Comment: The c.158dupA pathogenic mutation, located in coding exon 1 of the STK11 gene, results from a duplication of A at nucleotide position 158, causing a translational frameshift with a predicted alternate stop codon (p.D53Efs*110). This variant is considered to be rare based on population cohorts in the Genome Aggregation Database (gnomAD). This variant was reported in individual(s) with features consistent with Peutz-Jeghers syndrome (PJS) (Ambry internal data). This alteration is expected to result in loss of function by premature protein truncation or nonsense-mediated mRNA decay. As such, this alteration is interpreted as a disease-causing mutation.

Labcorp Genetics (formerly Invitae), Labcorp
Classification: Pathogenic for Peutz-Jeghers syndrome. Last evaluated: 2022-08-23. Review status: criteria provided, single submitter. Criteria: Invitae Variant Classification Sherloc (09022015). Collection method: clinical testing. Allele origin: germline.
Comment: This variant has not been reported in the literature in individuals affected with STK11-related conditions. This variant is not present in population databases (gnomAD no frequency). This sequence change creates a premature translational stop signal (p.Asp53Glufs*110) in the STK11 gene. It is expected to result in an absent or disrupted protein product. Loss-of-function variants in STK11 are known to be pathogenic (PMID: 15188174, 16287113). For these reasons, this variant has been classified as Pathogenic.

Literature cited by the submitters: PubMed 15188174 (cited by Labcorp Genetics (formerly Invitae), Labcorp); PubMed 16287113 (cited by Labcorp Genetics (formerly Invitae), Labcorp).

NM_000455.5(STK11):c.158dup (p.Asp53fs)

Gene: STK11 (serine/threonine kinase 11; plus strand). Cytogenetic location: 19p13.3.
Variant type: Duplication.
Coding change: c.158dup on transcript NM_000455.5 (MANE Select); coding-DNA position 158, one base duplicated (A; older notation c.158dupA).
Protein change: p.Asp53fs; shifts the reading frame from aspartic acid 53.
Molecular consequence: frameshift variant.
Genome position (GRCh38, 1-based): chr19:1,207,071, A duplicated. VCF-style (leftmost placement, unchanged base first): chr19-1207070-G-GA. GRCh37 (hg19) VCF-style: chr19-1207069-G-GA.
Other names: c.158dup, p.Asp53Glufs (NM_001407255.1); c.158dupA (NM_000455.4); short protein forms D53fs.
Identifiers: ClinVar variation 2026454 (VCV002026454.5), dbSNP rs2512921207, ClinGen allele CA2580096046.